The following is an entry in ClinVar:

ClinVar aggregate classification (germline): Pathogenic/Likely pathogenic. Review status: criteria provided, multiple submitters, no conflicts (2 of 4 stars). 3 submissions from 3 submitters: Pathogenic (1); Likely pathogenic (2). Last evaluated 2024-06-16.

Conditions:
Neurofibromatosis, type 1 (NF1). Also called: VON RECKLINGHAUSEN DISEASE; Peripheral type neurofibromatosis; NEUROFIBROMATOSIS, TYPE I, SOMATIC; Neurofibromatosis, type I. Identifiers: Orphanet 636, MedGen C0027831, MONDO:0018975, OMIM 162200. Disease mechanism: loss of function.

Submissions (3):

Johns Hopkins Genomics, Johns Hopkins University
Classification: Likely pathogenic for Neurofibromatosis, type 1. Last evaluated: 2024-06-16. Review status: criteria provided, single submitter. Criteria: ACMG Guidelines, 2015. Collection method: clinical testing. Allele origin: germline.
Comment: This NF1 variant (rs1555615027) is absent in a large population dataset and has been reported in ClinVar. Two bioinformatic tools queried predict that this substitution (p.Val1182Leu) would be damaging, and the valine residue at this position is strongly conserved across the vertebrate species assessed. Bioinformatic analysis predicts that this missense variant would not affect normal exon 27 splicing, although this has not been confirmed experimentally to our knowledge. This missense change occurs in a residue with a previously reported alternate pathogenic missense variant. We consider c.3544G>C to be likely pathogenic for autosomal dominant neurofibromatosis type-1.

GeneDx
Classification: Likely pathogenic. Last evaluated: 2023-09-26. Review status: criteria provided, single submitter. Criteria: GeneDx Variant Classification Process June 2021. Collection method: clinical testing. Allele origin: germline. Affected: yes.
Comment: Not observed at significant frequency in large population cohorts (gnomAD); In silico analysis supports that this missense variant does not alter protein structure/function; Has not been previously published as pathogenic or benign to our knowledge; This variant is associated with the following publications: (PMID: 25486365, 2121369, 22807134, 35666834)

Labcorp Genetics (formerly Invitae), Labcorp
Classification: Pathogenic for Neurofibromatosis, type 1. Last evaluated: 2022-11-23. Review status: criteria provided, single submitter. Criteria: Invitae Variant Classification Sherloc (09022015). Collection method: clinical testing. Allele origin: germline.
Comment: For these reasons, this variant has been classified as Pathogenic. This variant disrupts the p.Val1182 amino acid residue in NF1. Other variant(s) that disrupt this residue have been determined to be pathogenic (Invitae). This suggests that this residue is clinically significant, and that variants that disrupt this residue are likely to be disease-causing. Advanced modeling of protein sequence and biophysical properties (such as structural, functional, and spatial information, amino acid conservation, physicochemical variation, residue mobility, and thermodynamic stability) performed at Invitae indicates that this missense variant is expected to disrupt NF1 protein function. ClinVar contains an entry for this variant (Variation ID: 1075346). This missense change has been observed in individual(s) with neurofibromatosis type I (Invitae). This variant is not present in population databases (gnomAD no frequency). This sequence change replaces valine, which is neutral and non-polar, with leucine, which is neutral and non-polar, at codon 1182 of the NF1 protein (p.Val1182Leu).

Literature cited by the submitters: PubMed 20301288 (cited by Johns Hopkins Genomics, Johns Hopkins University).

NM_001042492.3(NF1):c.3544G>C (p.Val1182Leu)

Gene: NF1 (neurofibromin 1; plus strand). Cytogenetic location: 17q11.2.
Variant type: single nucleotide variant.
Coding change: c.3544G>C on transcript NM_001042492.3 (MANE Select); coding-DNA position 3544, G replaced by C.
Protein change: p.Val1182Leu; replaces valine 1182 with leucine.
Molecular consequence: missense variant.
Genome position (GRCh38, 1-based): chr17:31,233,049, G>C. VCF-style: chr17-31233049-G-C. GRCh37 (hg19) VCF-style: chr17-29560067-G-C.
Other names: c.3544G>C, p.Val1182Leu (NM_000267.4); short protein forms V1182L.
Identifiers: ClinVar variation 1075346 (VCV001075346.7), dbSNP rs1555615027, ClinGen allele CA398989964.